The following is an entry in ClinVar:

ClinVar aggregate classification (germline): Likely benign. Review status: criteria provided, multiple submitters, no conflicts (2 of 4 stars). 9 submissions from 6 submitters: Likely benign (9). Last evaluated 2025-06-22.

Conditions:
Congenital myopathy 18. Also called: Myopathy, congenital, due to dihydropyridine receptor defect; DIHYDROPYRIDINE RECEPTOR CONGENITAL MYOPATHY; DHPR CONGENITAL MYOPATHY. Identifiers: MedGen C5830283, MONDO:0859514, OMIM 620246.
Hypokalemic periodic paralysis, type 1. Also called: HypoPP; Hypokalemic Periodic Paralysis Type 1 (AD). Identifiers: Orphanet 681, MedGen C3714580, MONDO:0042979, OMIM 170400.
Thyrotoxic periodic paralysis, susceptibility to, 1 (TTPP1). Identifiers: Orphanet 79102, MedGen C2749982, MONDO:0008570, OMIM 188580.
Malignant hyperthermia, susceptibility to, 5 (MHS5). Also called: CACNA1S-Related Malignant Hyperthermia Susceptibility. Identifiers: Orphanet 423, MedGen C1866077, MONDO:0011163, OMIM 601887.

Allele frequency attached by ClinVar (database versions not stated): gnomAD exomes 0.00002 and 0.00004; TOPMed 0.00002; gnomAD 0.00001; ExAC 0.00005.

Submissions (9):

Labcorp Genetics (formerly Invitae), Labcorp
Classification: Likely benign for Hypokalemic periodic paralysis, type 1; Malignant hyperthermia, susceptibility to, 5. Last evaluated: 2025-06-22. Review status: criteria provided, single submitter. Criteria: Invitae Variant Classification Sherloc (09022015). Collection method: clinical testing. Allele origin: germline.

Laboratory of Genetics, Children's Clinical University Hospital Latvia
Classification: Likely benign. Last evaluated: 2025-02-16. Review status: criteria provided, single submitter. Criteria: ACMG Guidelines, 2015. Collection method: clinical testing. Allele origin: germline. Affected: yes.

All of Us Research Program, National Institutes of Health
Classification: Likely benign for Malignant hyperthermia, susceptibility to, 5. Last evaluated: 2023-11-30. Review status: criteria provided, single submitter. Criteria: ACMG Guidelines, 2015. Collection method: clinical testing. Allele origin: germline. Inheritance: Autosomal dominant inheritance. Observed: 7 variant alleles, 7 heterozygotes.
Comment: This study involves interpretation of variants in research participants for the purpose of population health screening. Participant phenotype was not available at the time of variant classification. Additional details can be found in publication PMID: 35346344, PMCID: PMC8962531

Genome-Nilou Lab
Classification: Likely benign for Malignant hyperthermia, susceptibility to, 5. Last evaluated: 2023-04-11. Review status: criteria provided, single submitter. Criteria: ACMG Guidelines, 2015. Collection method: clinical testing. Allele origin: germline. Affected: no.

Genome-Nilou Lab
Classification: Likely benign for Thyrotoxic periodic paralysis, susceptibility to, 1. Last evaluated: 2023-04-11. Review status: criteria provided, single submitter. Criteria: ACMG Guidelines, 2015. Collection method: clinical testing. Allele origin: germline. Affected: no.

Genome-Nilou Lab
Classification: Likely benign for Congenital myopathy 18. Last evaluated: 2023-04-11. Review status: criteria provided, single submitter. Criteria: ACMG Guidelines, 2015. Collection method: clinical testing. Allele origin: germline. Affected: no.

Genome-Nilou Lab
Classification: Likely benign for Hypokalemic periodic paralysis, type 1. Last evaluated: 2023-04-11. Review status: criteria provided, single submitter. Criteria: ACMG Guidelines, 2015. Collection method: clinical testing. Allele origin: germline. Affected: no.

Color Diagnostics, LLC DBA Color Health
Classification: Likely benign for Malignant hyperthermia, susceptibility to, 5. Last evaluated: 2023-01-20. Review status: criteria provided, single submitter. Criteria: ACMG Guidelines, 2015. Collection method: clinical testing. Allele origin: germline.

Fulgent Genetics
Classification: Likely benign for Hypokalemic periodic paralysis, type 1; Thyrotoxic periodic paralysis, susceptibility to, 1; Malignant hyperthermia, susceptibility to, 5. Last evaluated: 2021-09-24. Review status: criteria provided, single submitter. Criteria: ACMG Guidelines, 2015. Collection method: clinical testing. Allele origin: unknown.

NM_000069.3(CACNA1S):c.4242-4G>A

Gene: CACNA1S (calcium voltage-gated channel subunit alpha1 S; minus strand). Cytogenetic location: 1q32.1.
Variant type: single nucleotide variant.
Coding change: c.4242-4G>A on transcript NM_000069.3 (MANE Select); 4 bases into the intron before coding-DNA position 4242, G replaced by A.
Molecular consequence: intron variant.
Genome position (GRCh38, 1-based): chr1:201,049,103, C>T on the plus strand (G>A on the coding strand, the complement: CACNA1S is on the minus strand). VCF-style: chr1-201049103-C-T. GRCh37 (hg19) VCF-style: chr1-201018231-C-T.
Identifiers: ClinVar variation 1012547 (VCV001012547.19), dbSNP rs780264366, ClinGen allele CA083191.
Genomic context (GRCh38, chr1:201,049,103, plus strand): 5'-AGAGGGGGCTGAATCCTTCTCAGCAGGGTCACCACGTCCAGGTGTTTGATTCTCCCCCTG[C>T]GGGAGGACACACAGACTTGTGTACCTGCTACCCTCCTCCGCTGCCAGAACCTTTCTGCTC-3'